The following is an entry in ClinVar:

NM_000168.6(GLI3):c.3761A>G (p.Tyr1254Cys)

Gene: GLI3 (GLI family zinc finger 3; minus strand). Cytogenetic location: 7p14.1.
Variant type: single nucleotide variant.
Coding change: c.3761A>G on transcript NM_000168.6 (MANE Select); coding-DNA position 3761, A replaced by G.
Protein change: p.Tyr1254Cys; replaces tyrosine 1254 with cysteine.
Molecular consequence: missense variant.
Genome position (GRCh38, 1-based): chr7:41,965,312, T>C on the plus strand (A>G on the coding strand, the complement: GLI3 is on the minus strand). VCF-style: chr7-41965312-T-C. GRCh37 (hg19) VCF-style: chr7-42004910-T-C.
Other names: short protein forms Y1254C.
Identifiers: ClinVar variation 2923929 (VCV002923929.3), dbSNP rs2484369447, ClinGen allele CA367317101.

ClinVar aggregate classification (germline): Uncertain significance (1 of 4 stars; one submission).

Conditions:
Pallister-Hall syndrome (PHS). Also called: GLI3-Related Pallister-Hall Syndrome; HYPOTHALAMIC HAMARTOBLASTOMA, HYPOPITUITARISM, IMPERFORATE ANUS, AND POSTAXIAL POLYDACTYLY. Identifiers: Orphanet 672, MedGen C0265220, MONDO:0007804, OMIM 146510.
Greig cephalopolysyndactyly syndrome (GCPS). Also called: GLI3-Related Greig Cephalopolysyndactyly Syndrome; POLYSYNDACTYLY WITH PECULIAR SKULL SHAPE; Greig syndrome. Identifiers: Orphanet 380, MedGen C0265306, MONDO:0008287, OMIM 175700.

Submission:

Labcorp Genetics (formerly Invitae), Labcorp
Classification: Uncertain significance for Pallister-Hall syndrome; Greig cephalopolysyndactyly syndrome. Last evaluated: 2023-11-22. Review status: criteria provided, single submitter. Criteria: Invitae Variant Classification Sherloc (09022015). Collection method: clinical testing. Allele origin: germline.
Comment: This sequence change replaces tyrosine, which is neutral and polar, with cysteine, which is neutral and slightly polar, at codon 1254 of the GLI3 protein (p.Tyr1254Cys). This variant is not present in population databases (gnomAD no frequency). This variant has not been reported in the literature in individuals affected with GLI3-related conditions. Advanced modeling of protein sequence and biophysical properties (such as structural, functional, and spatial information, amino acid conservation, physicochemical variation, residue mobility, and thermodynamic stability) performed at Invitae indicates that this missense variant is not expected to disrupt GLI3 protein function with a negative predictive value of 80%. In summary, the available evidence is currently insufficient to determine the role of this variant in disease. Therefore, it has been classified as a Variant of Uncertain Significance.